The following is an entry in ClinVar:

NM_001127222.2(CACNA1A):c.6703_6713del (p.His2235fs)

Genes: CACNA1A (calcium voltage-gated channel subunit alpha1 A; minus strand), LOC130063717 (ATAC-STARR-seq lymphoblastoid silent region 10203; plus strand). Cytogenetic location: 19p13.13.
Variant type: Deletion.
Coding change: c.6703_6713del on transcript NM_001127222.2 (MANE Select); coding-DNA positions 6703 to 6713, 11 bases deleted (CACGGCCGGGC).
Protein change: p.His2235fs; shifts the reading frame from histidine 2235.
Molecular consequence: frameshift variant.
Genome position (GRCh38, 1-based): chr19:13,208,823-13,208,833, GCCCGGCCGTG deleted on the plus strand (CACGGCCGGGC on the coding strand, the reverse complement: CACNA1A is on the minus strand); deleting any 11 consecutive bases within chr19:13,208,823-13,208,834 gives the same sequence; the c. name uses the placement nearest the transcript's 3' end. VCF-style (leftmost placement, unchanged base first): chr19-13208822-TGCCCGGCCGTG-T. GRCh37 (hg19) VCF-style: chr19-13319636-TGCCCGGCCGTG-T.
Other names: c.6721_6731del, p.His2241fs (NM_000068.4, NM_023035.3); c.6705_6715delCCACGGCCGGG, p.His2236Thrfs (NM_001127221.1); c.6706_6716del, p.His2236fs (NM_001127221.2); c.6712_6722del, p.His2238fs (NM_001174080.2); short protein forms H2235fs, H2236fs, H2238fs, H2241fs.
Identifiers: ClinVar variation 3343477 (VCV003343477.1).

ClinVar aggregate classification (germline): Uncertain significance (1 of 4 stars; one submission).

Submission:

GeneDx
Classification: Uncertain significance. Last evaluated: 2023-05-12. Review status: criteria provided, single submitter. Criteria: GeneDx Variant Classification Process June 2021. Collection method: clinical testing. Allele origin: germline. Affected: yes.
Comment: Not observed at significant frequency in large population cohorts (gnomAD); Frameshift variant predicted to result in protein truncation as the last 26 amino acids are replaced with 25 different amino acids, although loss-of-function variants have not been reported downstream of this position in the protein; Has not been previously published as pathogenic or benign to our knowledge